The following is an entry in ClinVar:

ClinVar aggregate classification (germline): Uncertain significance. Review status: criteria provided, multiple submitters, no conflicts (2 of 4 stars). 2 submissions from 2 submitters: Uncertain significance (2). Last evaluated 2025-10-18.

Conditions:
Neutropenia, severe congenital, 2, autosomal dominant. Identifiers: Orphanet 486, MedGen C2751288, MONDO:0013139, OMIM 613107.

gnomAD v4.1: 6 of 1,582,382 alleles (0.00038%); highest among the groups gnomAD compares: East Asian, 0.014%; no homozygotes.

Submissions (2):

Labcorp Genetics (formerly Invitae), Labcorp
Classification: Uncertain significance for Neutropenia, severe congenital, 2, autosomal dominant. Last evaluated: 2025-10-18. Review status: criteria provided, single submitter. Criteria: Invitae Variant Classification Sherloc (09022015). Collection method: clinical testing. Allele origin: germline.
Comment: This sequence change replaces arginine, which is basic and polar, with histidine, which is basic and polar, at codon 147 of the GFI1 protein (p.Arg147His). This variant is present in population databases (no rsID available, gnomAD 0.02%). This variant has not been reported in the literature in individuals affected with GFI1-related conditions. ClinVar contains an entry for this variant (Variation ID: 3519850). Invitae Evidence Modeling of protein sequence and biophysical properties (such as structural, functional, and spatial information, amino acid conservation, physicochemical variation, residue mobility, and thermodynamic stability) indicates that this missense variant is not expected to disrupt GFI1 protein function with a negative predictive value of 80%. In summary, the available evidence is currently insufficient to determine the role of this variant in disease. Therefore, it has been classified as a Variant of Uncertain Significance.

Ambry Genetics
Classification: Uncertain significance. Last evaluated: 2024-12-07. Review status: criteria provided, single submitter. Criteria: Ambry Variant Classification Scheme 2023. Collection method: clinical testing. Allele origin: germline.
Comment: The p.R147H variant (also known as c.440G>A), located in coding exon 3 of the GFI1 gene, results from a G to A substitution at nucleotide position 440. The arginine at codon 147 is replaced by histidine, an amino acid with highly similar properties. This amino acid position is conserved. In addition, this alteration is predicted to be tolerated by in silico analysis. Based on the available evidence, the clinical significance of this variant remains unclear.

NM_005263.5(GFI1):c.440G>A (p.Arg147His)

Gene: GFI1 (growth factor independent 1 transcriptional repressor; minus strand). Cytogenetic location: 1p22.1.
Variant type: single nucleotide variant.
Coding change: c.440G>A on transcript NM_005263.5 (MANE Select); coding-DNA position 440, G replaced by A.
Protein change: p.Arg147His; replaces arginine 147 with histidine.
Molecular consequence: missense variant.
Genome position (GRCh38, 1-based): chr1:92,480,947, C>T on the plus strand (G>A on the coding strand, the complement: GFI1 is on the minus strand). VCF-style: chr1-92480947-C-T. GRCh37 (hg19) VCF-style: chr1-92946504-C-T.
Other names: c.440G>A, p.Arg147His (NM_001127215.3, NM_001127216.3); short protein forms R147H.
Identifiers: ClinVar variation 3519850 (VCV003519850.2).